The following is an entry in ClinVar:

NM_004646.4(NPHS1):c.1159_1160insTT (p.Thr387fs)

Gene: NPHS1 (NPHS1 adhesion molecule, nephrin; minus strand). Cytogenetic location: 19q13.12.
Variant type: Insertion.
Coding change: c.1159_1160insTT on transcript NM_004646.4 (MANE Select); coding-DNA positions 1159 to 1160, TT inserted.
Protein change: p.Thr387fs; shifts the reading frame from threonine 387.
Molecular consequence: frameshift variant.
Genome position: GRCh38 VCF-style: chr19-35848647-G-GAA. GRCh37 (hg19) VCF-style: chr19-36339549-G-GAA.
Other names: short protein forms T387fs.
Identifiers: ClinVar variation 2012073 (VCV002012073.5), dbSNP rs2513777707, ClinGen allele CA2580096881.
Genomic context (GRCh38, chr19:35,848,647, plus strand): 5'-GCCCTCAGCCCCCTCCATGCTCAGACCCAGGAGCCTGGCCCCCGCCTCACATCCATGACT[G>GAA]TCTCCTCCATGGGCAGCAGCTGCCGCCAGCCCAGCCACCATCGTAGCAGAACCCGCGGGC-3'

ClinVar aggregate classification (germline): Pathogenic. Review status: criteria provided, multiple submitters, no conflicts (2 of 4 stars). 2 submissions from 2 submitters: Pathogenic (2). Last evaluated 2023-09-19.

Conditions:
Finnish congenital nephrotic syndrome (NPHS1). Also called: NEPHROTIC SYNDROME, TYPE 1. Identifiers: Orphanet 839, MedGen C0403399, MONDO:0009732, OMIM 256300.

Submissions (2):

Myriad Genetics, Inc.
Classification: Pathogenic for Finnish congenital nephrotic syndrome. Last evaluated: 2023-09-19. Review status: criteria provided, single submitter. Criteria: Myriad Autosomal Dominant, Autosomal Recessive and X-Linked Classification Criteria (2023). Collection method: clinical testing. Allele origin: unknown.
Comment: NM_004646.3(NPHS1):c.1159_1160insTT(T387Ifs*17) is expected to be pathogenic in the context of nephrotic syndrome, NPHS1-related. This variant is predicted to lead to an abnormal or absent protein product due to the creation of a premature termination codon in NPHS1, a gene where loss-of-function variants are known to be pathogenic. Please note: this variant was assessed in the context of healthy population screening.

Labcorp Genetics (formerly Invitae), Labcorp
Classification: Pathogenic. Last evaluated: 2023-01-28. Review status: criteria provided, single submitter. Criteria: Invitae Variant Classification Sherloc (09022015). Collection method: clinical testing. Allele origin: germline.
Comment: For these reasons, this variant has been classified as Pathogenic. This variant has not been reported in the literature in individuals affected with NPHS1-related conditions. This variant is not present in population databases (gnomAD no frequency). This sequence change creates a premature translational stop signal (p.Thr387Ilefs*17) in the NPHS1 gene. It is expected to result in an absent or disrupted protein product. Loss-of-function variants in NPHS1 are known to be pathogenic (PMID: 11317351, 11854170, 12039988).

Literature cited by the submitters: PubMed 11317351 (cited by Labcorp Genetics (formerly Invitae), Labcorp); PubMed 11854170 (cited by Labcorp Genetics (formerly Invitae), Labcorp); PubMed 12039988 (cited by Labcorp Genetics (formerly Invitae), Labcorp).